The following is an entry in ClinVar:

NM_001004416.3(UMODL1):c.846C>T (p.Cys282=)

Gene: UMODL1 (uromodulin like 1; plus strand). Cytogenetic location: 21q22.3.
Variant type: single nucleotide variant.
Coding change: c.846C>T on transcript NM_001004416.3 (MANE Select); coding-DNA position 846, C replaced by T.
Protein change: p.Cys282=; no amino-acid change (cysteine 282 retained).
Molecular consequence: synonymous variant.
Genome position (GRCh38, 1-based): chr21:42,090,353, C>T. VCF-style: chr21-42090353-C-T. GRCh37 (hg19) VCF-style: chr21-43510463-C-T.
Other names: c.630C>T, p.Cys210= (NM_001199527.3, NM_001199528.4); c.846C>T, p.Cys282= (NM_173568.4).
Identifiers: ClinVar variation 2652697 (VCV002652697.24), dbSNP rs762869049, ClinGen allele CA10039373.

ClinVar aggregate classification (germline): Likely benign (1 of 4 stars; one submission).

Allele frequency attached by ClinVar (database versions not stated): gnomAD 0.00001; ExAC 0.00002; TOPMed 0.00002.
gnomAD v4.1: 33 of 1,613,992 alleles (0.002%); highest among the groups gnomAD compares: Middle Eastern, 0.016%; no homozygotes.

Submission:

CeGaT Center for Human Genetics Tuebingen
Classification: Likely benign. Last evaluated: 2022-09-01. Review status: criteria provided, single submitter. Criteria: CeGaT Center For Human Genetics Tuebingen Variant Classification Criteria Version 2. Collection method: clinical testing. Allele origin: germline. Affected: yes. Observed: 1 variant allele.
Comment: UMODL1: BP4, BP7